The following is an entry in ClinVar:

NM_007118.4(TRIO):c.6776G>A (p.Arg2259Gln)

Gene: TRIO (trio Rho guanine nucleotide exchange factor; plus strand). Cytogenetic location: 5p15.2.
Variant type: single nucleotide variant.
Coding change: c.6776G>A on transcript NM_007118.4 (MANE Select); coding-DNA position 6776, G replaced by A.
Protein change: p.Arg2259Gln; replaces arginine 2259 with glutamine.
Molecular consequence: missense variant. On other transcripts: non-coding transcript variant (1).
Genome position (GRCh38, 1-based): chr5:14,485,187, G>A. VCF-style: chr5-14485187-G-A. GRCh37 (hg19) VCF-style: chr5-14485296-G-A.
Other names: short protein forms R2259Q.
Identifiers: ClinVar variation 1183765 (VCV001183765.8), dbSNP rs750947029, ClinGen allele CA3207229.
Genomic context (GRCh38, chr5:14,485,187, plus strand): 5'-CATCGAGGACGGGTGACGTGGTAGAGACCTTCATTTTGCATTCATCTAGTCCAAGTGTCC[G>A]GCAAACTTGGATCCATGAAATCAACCAAATTTTAGAAAACCAGCGCAATTTTTTAAATGG-3'
Protein context (NP_009049.2, residues 2249-2269): FILHSSSPSV[Arg2259Gln]QTWIHEINQI

ClinVar aggregate classification (germline): Uncertain significance. Review status: criteria provided, multiple submitters, no conflicts (2 of 4 stars). 2 submissions from 2 submitters: Uncertain significance (2). Last evaluated 2025-12-15.

Conditions:
Inborn genetic diseases. Identifiers: MedGen C0950123, MeSH D030342.

Allele frequency attached by ClinVar (database versions not stated): ExAC 0.00001; gnomAD exomes 0.00001; TOPMed 0.00002; gnomAD 0.00003.
gnomAD v4.1: 16 of 1,586,596 alleles (0.001%); highest among the groups gnomAD compares: Middle Eastern, 0.017%; no homozygotes.

Submissions (2):

Ambry Genetics
Classification: Uncertain significance for Inborn genetic diseases. Last evaluated: 2025-12-15. Review status: criteria provided, single submitter. Criteria: Ambry Variant Classification Scheme 2023. Collection method: clinical testing. Allele origin: germline.

GeneDx
Classification: Uncertain significance. Last evaluated: 2023-05-30. Review status: criteria provided, single submitter. Criteria: GeneDx Variant Classification Process June 2021. Collection method: clinical testing. Allele origin: germline. Affected: yes.
Comment: Not observed at significant frequency in large population cohorts (gnomAD); In silico analysis, which includes protein predictors and evolutionary conservation, supports that this variant does not alter protein structure/function; Has not been previously published as pathogenic or benign to our knowledge